The following is an entry in ClinVar:

ClinVar aggregate classification (germline): Benign/Likely benign. Review status: criteria provided, multiple submitters, no conflicts (2 of 4 stars). 4 submissions from 4 submitters: Benign (1); Likely benign (3). Last evaluated 2026-02-24.

Conditions:
Polyglandular autoimmune syndrome, type 1 (APS1). Also called: Autoimmune polyendocrine syndrome type 1; Whitaker syndrome; Autoimmune polyendocrinopathy syndrome, type I; AUTOIMMUNE POLYENDOCRINE SYNDROME, TYPE I, WITH OR WITHOUT REVERSIBLE METAPHYSEAL DYSPLASIA; Autoimmune polyendocrinopathy syndrome , type I, with or without reversible metaphyseal dysplasia; APS I. Identifiers: Orphanet 3453, MedGen C0085859, MONDO:0009411, OMIM 240300.

Allele frequency attached by ClinVar (database versions not stated): ESP Exome Variant Server 0.00038; TOPMed 0.00057; gnomAD 0.00105 and 0.00110; gnomAD exomes 0.00105; ExAC 0.00113.
gnomAD v4.1: 1,173 of 1,612,696 alleles (0.073%); highest among the groups gnomAD compares: Non-Finnish European, 0.063%; 3 homozygotes.

Submissions (4):

Women's Health and Genetics/Laboratory Corporation of America, LabCorp
Classification: Likely benign. Last evaluated: 2026-02-24. Review status: criteria provided, single submitter. Criteria: LabCorp Variant Classification Summary - May 2015. Collection method: clinical testing. Allele origin: germline.

Labcorp Genetics (formerly Invitae), Labcorp
Classification: Benign for Polyglandular autoimmune syndrome, type 1. Last evaluated: 2026-01-31. Review status: criteria provided, single submitter. Criteria: Invitae Variant Classification Sherloc (09022015). Collection method: clinical testing. Allele origin: germline.

Blueprint Genetics
Classification: Likely benign. Last evaluated: 2024-11-28. Review status: criteria provided, single submitter. Criteria: ACMG Guidelines, 2015. Collection method: clinical testing. Allele origin: germline.

CeGaT Center for Human Genetics Tuebingen
Classification: Likely benign. Last evaluated: 2024-01-01. Review status: criteria provided, single submitter. Criteria: CeGaT Center For Human Genetics Tuebingen Variant Classification Criteria Version 2. Collection method: clinical testing. Allele origin: germline. Affected: yes. Observed: 4 variant alleles.
Comment: AIRE: BP4, BP7

NM_000383.4(AIRE):c.717C>T (p.Ser239=)

Gene: AIRE (autoimmune regulator; plus strand). Cytogenetic location: 21q22.3.
Variant type: single nucleotide variant.
Coding change: c.717C>T on transcript NM_000383.4 (MANE Select); coding-DNA position 717, C replaced by T.
Protein change: p.Ser239=; no amino-acid change (serine 239 retained).
Molecular consequence: synonymous variant.
Genome position (GRCh38, 1-based): chr21:44,289,721, C>T. VCF-style: chr21-44289721-C-T. GRCh37 (hg19) VCF-style: chr21-45709604-C-T.
Identifiers: ClinVar variation 528315 (VCV000528315.37), dbSNP rs149130190, ClinGen allele CA10051687.